The following is an entry in ClinVar:

ClinVar aggregate classification (germline): Uncertain significance (1 of 4 stars; one submission).

Conditions:
Frontotemporal dementia and/or amyotrophic lateral sclerosis 6 (FTDALS6). Also called: VCP-Related Amyotrophic Lateral Sclerosis/Frontotemporal Dementia; VCP-Related Amyotrophic Lateral Sclerosis. Identifiers: Orphanet 275872, Orphanet 803, MedGen C5436279, MONDO:0013501, OMIM 613954.
Inclusion body myopathy with Paget disease of bone and frontotemporal dementia. Also called: Inclusion body myopathy with early-onset Paget disease and frontotemporal dementia. Identifiers: Orphanet 52430, MedGen C1833662, MONDO:0000507.

Submission:

Labcorp Genetics (formerly Invitae), Labcorp
Classification: Uncertain significance for Inclusion body myopathy with Paget disease of bone and frontotemporal dementia; Frontotemporal dementia and/or amyotrophic lateral sclerosis 6. Last evaluated: 2023-08-30. Review status: criteria provided, single submitter. Criteria: Invitae Variant Classification Sherloc (09022015). Collection method: clinical testing. Allele origin: germline.
Comment: This sequence change affects codon 489 of the VCP mRNA. It is a 'silent' change, meaning that it does not change the encoded amino acid sequence of the VCP protein. This variant is not present in population databases (gnomAD no frequency). This variant has not been reported in the literature in individuals affected with VCP-related conditions. Algorithms developed to predict the effect of sequence changes on RNA splicing suggest that this variant may create or strengthen a splice site. In summary, the available evidence is currently insufficient to determine the role of this variant in disease. Therefore, it has been classified as a Variant of Uncertain Significance.

NM_007126.5(VCP):c.1465C>T (p.Leu489=)

Gene: VCP (valosin containing protein; minus strand). Cytogenetic location: 9p13.3.
Variant type: single nucleotide variant.
Coding change: c.1465C>T on transcript NM_007126.5 (MANE Select); coding-DNA position 1465, C replaced by T.
Protein change: p.Leu489=; no amino-acid change (leucine 489 retained).
Molecular consequence: synonymous variant.
Genome position (GRCh38, 1-based): chr9:35,060,818, G>A on the plus strand (C>T on the coding strand, the complement: VCP is on the minus strand). VCF-style: chr9-35060818-G-A. GRCh37 (hg19) VCF-style: chr9-35060815-G-A.
Other names: c.1330C>T, p.Leu444= (NM_001354927.2, NM_001354928.2).
Identifiers: ClinVar variation 2951449 (VCV002951449.3), dbSNP rs2490352855, ClinGen allele CA464601868.